The following is an entry in ClinVar:

NM_033124.5(DRC2):c.989A>T (p.Asn330Ile)

Gene: DRC2 (dynein regulatory complex subunit 2; plus strand). Cytogenetic location: 12q13.12.
Variant type: single nucleotide variant.
Coding change: c.989A>T on transcript NM_033124.5 (MANE Select); coding-DNA position 989, A replaced by T.
Protein change: p.Asn330Ile; replaces asparagine 330 with isoleucine.
Molecular consequence: missense variant.
Genome position (GRCh38, 1-based): chr12:48,918,866, A>T. VCF-style: chr12-48918866-A-T. GRCh37 (hg19) VCF-style: chr12-49312649-A-T.
Other names: c.560A>T, p.Asn187Ile (NM_001286957.2); short protein forms N330I, N187I.
Identifiers: ClinVar variation 4786865 (VCV004786865.1).

ClinVar aggregate classification (germline): Uncertain significance (1 of 4 stars; one submission).

Conditions:
Primary ciliary dyskinesia 27. Also called: CILIARY DYSKINESIA, PRIMARY, 27, WITHOUT SITUS INVERSUS. Identifiers: Orphanet 244, MedGen C3809701, MONDO:0014215, OMIM 615504.

Submission:

Labcorp Genetics (formerly Invitae), Labcorp
Classification: Uncertain significance for Primary ciliary dyskinesia 27. Last evaluated: 2025-12-01. Review status: criteria provided, single submitter. Criteria: Invitae Variant Classification Sherloc (09022015). Collection method: clinical testing. Allele origin: germline.
Comment: This sequence change replaces asparagine, which is neutral and polar, with isoleucine, which is neutral and non-polar, at codon 330 of the CCDC65 protein (p.Asn330Ile). This variant is not present in population databases (gnomAD no frequency). This variant has not been reported in the literature in individuals affected with CCDC65-related conditions. An algorithm developed to predict the effect of missense changes on protein structure and function (PolyPhen-2) suggests that this variant is likely to be tolerated. In summary, the available evidence is currently insufficient to determine the role of this variant in disease. Therefore, it has been classified as a Variant of Uncertain Significance.